The following is an entry in ClinVar:

NM_001048174.2(MUTYH):c.849+5G>T

Gene: MUTYH (mutY DNA glycosylase; minus strand). Cytogenetic location: 1p34.1.
Variant type: single nucleotide variant.
Coding change: c.849+5G>T on transcript NM_001048174.2 (MANE Select); 5 bases into the intron after coding-DNA position 849, G replaced by T.
Molecular consequence: intron variant.
Genome position (GRCh38, 1-based): chr1:45,332,161, C>A on the plus strand (G>T on the coding strand, the complement: MUTYH is on the minus strand). VCF-style: chr1-45332161-C-A. GRCh37 (hg19) VCF-style: chr1-45797833-C-A.
Other names: c.852+5G>T (NM_001048172.2, NM_001407078.1, NM_001407086.1 and 1 more transcripts); c.882+5G>T (NM_001407077.1, NM_001293191.2, NM_001407069.1); c.891+5G>T (NM_001407083.1, NM_001407085.1); c.765+5G>T (NM_001407075.1); c.849+5G>T (NM_001407081.1, NM_001407088.1, NM_001293195.2 and 6 more transcripts); c.573+5G>T (NM_001407091.1, NM_001293192.2, NM_001293196.2); c.870+5G>T (NM_001407087.1); c.504+5G>T (NM_001350651.2, NM_001350650.2, NM_001407082.1); and 5 more.
Identifiers: ClinVar variation 2743889 (VCV002743889.3), dbSNP rs2149136443, ClinGen allele CA2697552379.

ClinVar aggregate classification (germline): Uncertain significance (1 of 4 stars; one submission).

Conditions:
Familial adenomatous polyposis 2. Also called: MUTYH-associated polyposis; Adenomas, multiple colorectal; COLORECTAL ADENOMATOUS POLYPOSIS, AUTOSOMAL RECESSIVE; ADENOMAS, MULTIPLE COLORECTAL, AUTOSOMAL RECESSIVE; MUTYH-related attenuated familial adenomatous polyposis; MYH-associated polyposis. Identifiers: Orphanet 220460, Orphanet 247798, MedGen C3272841, MONDO:0012041, OMIM 608456.

Submission:

Labcorp Genetics (formerly Invitae), Labcorp
Classification: Uncertain significance for Familial adenomatous polyposis 2. Last evaluated: 2023-07-16. Review status: criteria provided, single submitter. Criteria: Invitae Variant Classification Sherloc (09022015). Collection method: clinical testing. Allele origin: germline.
Comment: This sequence change falls in intron 10 of the MUTYH gene. It does not directly change the encoded amino acid sequence of the MUTYH protein. It affects a nucleotide within the consensus splice site. This variant is not present in population databases (gnomAD no frequency). This variant has not been reported in the literature in individuals affected with MUTYH-related conditions. Variants that disrupt the consensus splice site are a relatively common cause of aberrant splicing (PMID: 17576681, 9536098). Algorithms developed to predict the effect of sequence changes on RNA splicing suggest that this variant may disrupt the consensus splice site. In summary, the available evidence is currently insufficient to determine the role of this variant in disease. Therefore, it has been classified as a Variant of Uncertain Significance.

Literature cited by the submitters: PubMed 17576681; PubMed 9536098.